The following is an entry in ClinVar:

NM_001199138.2(NLRC4):c.*13C>G

Gene: NLRC4 (NLR family CARD domain containing 4; minus strand). Cytogenetic location: 2p22.3.
Variant type: single nucleotide variant.
Coding change: c.*13C>G on transcript NM_001199138.2 (MANE Select); 13 bases downstream of the stop codon, C replaced by G.
Molecular consequence: 3 prime UTR variant.
Genome position (GRCh38, 1-based): chr2:32,224,460, G>C on the plus strand (C>G on the coding strand, the complement: NLRC4 is on the minus strand). VCF-style: chr2-32224460-G-C. GRCh37 (hg19) VCF-style: chr2-32449529-G-C.
Other names: c.*13C>G (NM_001199139.2, NM_001302504.2, NM_021209.5).
Identifiers: ClinVar variation 3339407 (VCV003339407.1).

ClinVar aggregate classification (germline): Uncertain significance (1 of 4 stars; one submission).

gnomAD v4.1: 11 of 1,564,350 alleles (0.0007%); highest among the groups gnomAD compares: Middle Eastern, 0.017%; no homozygotes.

Submission:

Women's Health and Genetics/Laboratory Corporation of America, LabCorp
Classification: Uncertain significance. Last evaluated: 2024-07-22. Review status: criteria provided, single submitter. Criteria: LabCorp Variant Classification Summary - May 2015. Collection method: clinical testing. Allele origin: germline.
Comment: Variant summary: NLRC4 c.*13C>G is located in the untranslated mRNA region downstream of the termination codon. The variant was absent in 220508 control chromosomes. The available data on variant occurrences in the general population are insufficient to allow any conclusion about variant significance. To our knowledge, no occurrence of c.*13C>G in individuals affected with NLRC4-Related Disorders and no experimental evidence demonstrating its impact on protein function have been reported. No submitters have cited clinical-significance assessments for this variant to ClinVar. Based on the evidence outlined above, the variant was classified as uncertain significance.